The following is an entry in ClinVar:

NM_001352754.2(ARMC9):c.1434C>G (p.Tyr478Ter)

Gene: ARMC9 (armadillo repeat containing 9; plus strand). Cytogenetic location: 2q37.1.
Variant type: single nucleotide variant.
Coding change: c.1434C>G on transcript NM_001352754.2 (MANE Select); coding-DNA position 1434, C replaced by G.
Protein change: p.Tyr478Ter; replaces tyrosine 478 with a stop codon.
Molecular consequence: nonsense. On other transcripts: non-coding transcript variant (1).
Genome position (GRCh38, 1-based): chr2:231,276,735, C>G. VCF-style: chr2-231276735-C-G. GRCh37 (hg19) VCF-style: chr2-232141448-C-G.
Other names: c.1434C>G, p.Tyr478Ter (NM_001271466.4, NM_001291656.2, NM_001352755.2 and 3 more transcripts); c.1335C>G, p.Tyr445Ter (NM_001352757.2, NM_001352758.2); short protein forms Y445*, Y478*.
Identifiers: ClinVar variation 2018335 (VCV002018335.4), dbSNP rs2469792629, ClinGen allele CA350955814.

ClinVar aggregate classification (germline): Pathogenic (1 of 4 stars; one submission).

Submission:

Labcorp Genetics (formerly Invitae), Labcorp
Classification: Pathogenic. Last evaluated: 2022-08-07. Review status: criteria provided, single submitter. Criteria: Invitae Variant Classification Sherloc (09022015). Collection method: clinical testing. Allele origin: germline.
Comment: For these reasons, this variant has been classified as Pathogenic. This variant has not been reported in the literature in individuals affected with ARMC9-related conditions. This variant is not present in population databases (gnomAD no frequency). This sequence change creates a premature translational stop signal (p.Tyr478*) in the ARMC9 gene. It is expected to result in an absent or disrupted protein product. Loss-of-function variants in ARMC9 are known to be pathogenic (PMID: 28625504).

Literature cited by the submitters: PubMed 28625504.